The following is an entry in ClinVar:

NM_177398.4(LMX1A):c.1106T>C (p.Ile369Thr)

Gene: LMX1A (LIM homeobox transcription factor 1 alpha; minus strand). Cytogenetic location: 1q23.3.
Variant type: single nucleotide variant.
Coding change: c.1106T>C on transcript NM_177398.4 (MANE Select); coding-DNA position 1106, T replaced by C.
Protein change: p.Ile369Thr; replaces isoleucine 369 with threonine.
Molecular consequence: missense variant.
Genome position (GRCh38, 1-based): chr1:165,203,923, A>G on the plus strand (T>C on the coding strand, the complement: LMX1A is on the minus strand). VCF-style: chr1-165203923-A-G. GRCh37 (hg19) VCF-style: chr1-165173160-A-G.
Other names: LMX1A, ILE369THR (rs763320093); c.1106T>C, p.Ile369Thr (NM_001174069.2); short protein forms I369T.
Identifiers: ClinVar variation 517667 (VCV000517667.5), dbSNP rs763320093, ClinGen allele CA1219596.
Genomic context (GRCh38, chr1:165,203,923, plus strand): 5'-GAACTCTAGGGGAAGACTCAAGATGTGAAGTAAGAATTCTGCATGGAGTACAGATGGTCA[A>G]TGGGGTTTCCCACTCTGGACTGCAGAGGCCCAGCTTCTGAGGTTGCTAGGAAACAATCAC-3'
Protein context (NP_796372.1, residues 359-379): GPLQSRVGNP[Ile369Thr]DHLYSMQNSY

ClinVar aggregate classification (germline): Conflicting classifications of pathogenicity. Review status: no assertion criteria provided (0 of 4 stars). 4 submissions from 3 submitters: Pathogenic (1); Likely pathogenic (1); Uncertain significance (1). 1 of the submissions does not count toward it. Last evaluated 2020-02-12.

Conditions:
Autosomal-Recessive Hereditary Hearing Impairment.
Sensorineural hearing loss disorder. Also called: Sensorineural Deafness; Sensorineural hearing loss; Sensorineural hearing impairment. Identifiers: MedGen C0018784, MeSH D006319, MONDO:0020678, HP:0000407.

Allele frequency attached by ClinVar (database versions not stated): gnomAD 0.00001; gnomAD exomes 0.00001 and 0.00002; ExAC 0.00002; TOPMed 0.00002.
gnomAD v4.1: 19 of 1,614,046 alleles (0.0012%); highest among the groups gnomAD compares: Non-Finnish European, 0.0014%; no homozygotes.

Submissions (4):

OMIM
Classification: Uncertain significance for VARIANT OF UNKNOWN SIGNIFICANCE. Last evaluated: 2020-02-12. Review status: no assertion criteria provided. Collection method: literature only. Allele origin: germline.

Center for Statistical Genetics, Columbia University
Classification: Pathogenic for Sensorineural hearing loss disorder. Review status: no assertion criteria provided. Collection method: research. Allele origin: inherited. Inheritance: Autosomal recessive inheritance. Affected: yes. Observed: 1 variant allele, 1 homozygote.

University of Washington Center for Mendelian Genomics, University of Washington
Classification: Likely pathogenic for Autosomal-Recessive Hereditary Hearing Impairment. Review status: no assertion criteria provided. Collection method: research. Allele origin: inherited. Affected: yes.

Center for Statistical Genetics, Columbia University
Classification: Pathogenic for Sensorineural hearing loss disorder. Last evaluated: 2018-03-14. Review status: flagged submission. Collection method: research. Allele origin: inherited. Inheritance: Autosomal recessive inheritance. Affected: yes. Observed: 1 variant allele, 1 homozygote. Not counted in ClinVar's aggregate classification.
ClinVar note: Reason: This record appears to be redundant with a more recent record from the same submitter.
ClinVar note: Notes: SCV000693870 appears to be redundant with SCV000700205.

Literature cited by the submitters: PubMed 29971487 (cited by OMIM and University of Washington Center for Mendelian Genomics, University of Washington).